The following is an entry in ClinVar:

ClinVar aggregate classification (germline): Pathogenic/Likely pathogenic. Review status: criteria provided, multiple submitters, no conflicts (2 of 4 stars). 4 submissions from 4 submitters: Pathogenic (1); Likely pathogenic (3). Last evaluated 2024-03-07.

Conditions:
Pyruvate carboxylase deficiency. Also called: LEIGH NECROTIZING ENCEPHALOPATHY DUE TO PYRUVATE CARBOXYLASE DEFICIENCY; LEIGH SYNDROME DUE TO PYRUVATE CARBOXYLASE DEFICIENCY; PC DEFICIENCY; ATAXIA WITH LACTIC ACIDOSIS II; Pyruvate Carboxylase Deficiency Disease. Identifiers: Orphanet 3008, MedGen C0034341, MONDO:0009949, OMIM 266150.
Thrombophilia due to protein C deficiency, autosomal dominant. Also called: PROC DEFICIENCY, AUTOSOMAL DOMINANT; PROTEIN C DEFICIENCY, AUTOSOMAL DOMINANT. Identifiers: Orphanet 745, MedGen C2674321, MONDO:0008316, OMIM 176860. Disease mechanism: loss of function.
Thrombophilia due to protein C deficiency, autosomal recessive. Also called: PROC DEFICIENCY, AUTOSOMAL RECESSIVE; PROTEIN C DEFICIENCY, AUTOSOMAL RECESSIVE. Identifiers: Orphanet 745, MedGen C2676759, MONDO:0012860, OMIM 612304.

Allele frequency attached by ClinVar (database versions not stated): ExAC 0.00001; gnomAD exomes 0.00001.
gnomAD v4.1: 3 of 1,614,014 alleles (0.00019%); highest among the groups gnomAD compares: South Asian, 0.0011%; no homozygotes.

Submissions (4):

Labcorp Genetics (formerly Invitae), Labcorp
Classification: Pathogenic for Pyruvate carboxylase deficiency. Last evaluated: 2024-03-07. Review status: criteria provided, single submitter. Criteria: Invitae Variant Classification Sherloc (09022015). Collection method: clinical testing. Allele origin: germline.
Comment: This sequence change creates a premature translational stop signal (p.Arg555*) in the PC gene. It is expected to result in an absent or disrupted protein product. Loss-of-function variants in PC are known to be pathogenic (PMID: 12112657, 19306334). This variant is present in population databases (rs766242199, gnomAD 0.003%). This variant has not been reported in the literature in individuals affected with PC-related conditions. ClinVar contains an entry for this variant (Variation ID: 1070920). For these reasons, this variant has been classified as Pathogenic.

Service de Génétique Médicale, Centre Hospitalier Universitaire de Nice-Université Côte d'Azur
Classification: Likely pathogenic for Pyruvate carboxylase deficiency. Last evaluated: 2024-02-27. Review status: criteria provided, single submitter. Criteria: ACMG Guidelines, 2015. Collection method: clinical testing. Allele origin: germline. Affected: yes.

Baylor Genetics
Classification: Likely pathogenic for Pyruvate carboxylase deficiency. Last evaluated: 2024-02-20. Review status: criteria provided, single submitter. Criteria: ACMG Guidelines, 2015. Collection method: clinical testing. Allele origin: unknown.

Molecular Genetics Department, Kulakov National Medical Research Center for Obstetrics, Gynecology and Perinatology
Classification: Likely pathogenic for Thrombophilia due to protein C deficiency, autosomal dominant; Pyruvate carboxylase deficiency; Thrombophilia due to protein C deficiency, autosomal recessive. Review status: criteria provided, single submitter. Criteria: ACMG Guidelines, 2015. Collection method: clinical testing. Allele origin: germline. Affected: yes. Observed: 1 variant allele.
Comment: A previously undescribed heterozygous nucleotide variant creates a premature translation stop signal p.Arg555Ter in the PC gene. Homozygous and compound heterozygous variants are reported in patients with pyruvate carboxylase deficiency, 266150. The variant is not present in population database (gnomAD no frequency). Pathogenicity prediction tools categorized the variant as pathogenic (SIFT, CADD, PolyPhen). The variant has been described in compound heterozygous in patients with pyruvate kinase deficiency [Coci et al., 2019, PMID: 30870574]. In summary, the currently available evidence indicates that the variant is pathogenic, but additional data are needed to prove that conclusively. Therefore, this variant has been classified as likely pathogenic.

Literature cited by the submitters: PubMed 12112657 (cited by Labcorp Genetics (formerly Invitae), Labcorp); PubMed 19306334 (cited by Labcorp Genetics (formerly Invitae), Labcorp); PubMed 38703036 (cited by Service de Génétique Médicale, Centre Hospitalier Universitaire de Nice-Université Côte d'Azur); PubMed 30870574 (cited by Molecular Genetics Department, Kulakov National Medical Research Center for Obstetrics, Gynecology and Perinatology).

NM_001040716.2(PC):c.1663C>T (p.Arg555Ter)

Gene: PC (pyruvate carboxylase; minus strand). Cytogenetic location: 11q13.2.
Variant type: single nucleotide variant.
Coding change: c.1663C>T on transcript NM_001040716.2 (MANE Select); coding-DNA position 1663, C replaced by T.
Protein change: p.Arg555Ter; replaces arginine 555 with a stop codon.
Molecular consequence: nonsense.
Genome position (GRCh38, 1-based): chr11:66,852,601, G>A on the plus strand (C>T on the coding strand, the complement: PC is on the minus strand). VCF-style: chr11-66852601-G-A. GRCh37 (hg19) VCF-style: chr11-66620072-G-A.
Other names: c.1663C>T, p.Arg555Ter (NM_000920.4, NM_022172.3); short protein forms R555*.
Identifiers: ClinVar variation 1070920 (VCV001070920.11), dbSNP rs766242199, ClinGen allele CA6131297.